The following is an entry in ClinVar:

ClinVar aggregate classification (germline): Uncertain significance (1 of 4 stars; one submission).

Submission:

GeneDx
Classification: Uncertain significance. Last evaluated: 2020-10-07. Review status: criteria provided, single submitter. Criteria: GeneDx Variant Classification Process June 2021. Collection method: clinical testing. Allele origin: germline. Affected: yes.
Comment: Not observed in large population cohorts (Lek et al., 2016); In silico analysis supports that this missense variant has a deleterious effect on protein structure/function; Has not been previously published as pathogenic or benign to our knowledge

NM_006618.5(KDM5B):c.1477T>C (p.Phe493Leu)

Gene: KDM5B (lysine demethylase 5B; minus strand). Cytogenetic location: 1q32.1.
Variant type: single nucleotide variant.
Coding change: c.1477T>C on transcript NM_006618.5 (MANE Select); coding-DNA position 1477, T replaced by C.
Protein change: p.Phe493Leu; replaces phenylalanine 493 with leucine.
Molecular consequence: missense variant.
Genome position (GRCh38, 1-based): chr1:202,755,332, A>G on the plus strand (T>C on the coding strand, the complement: KDM5B is on the minus strand). VCF-style: chr1-202755332-A-G. GRCh37 (hg19) VCF-style: chr1-202724460-A-G.
Other names: c.1585T>C, p.Phe529Leu (NM_001314042.2); c.1342T>C, p.Phe448Leu (NM_001347591.2); c.1462T>C, p.Phe488Leu (NM_001399817.1); short protein forms F448L, F493L, F529L, F488L.
Identifiers: ClinVar variation 1315198 (VCV001315198.3), dbSNP rs2102261943, ClinGen allele CA344270553.